The following is an entry in ClinVar:

NM_024675.4(PALB2):c.505C>G (p.Leu169Val)

Gene: PALB2 (partner and localizer of BRCA2; minus strand). Cytogenetic location: 16p12.2.
Variant type: single nucleotide variant.
Coding change: c.505C>G on transcript NM_024675.4 (MANE Select); coding-DNA position 505, C replaced by G.
Protein change: p.Leu169Val; replaces leucine 169 with valine.
Molecular consequence: missense variant.
Genome position (GRCh38, 1-based): chr16:23,636,041, G>C on the plus strand (C>G on the coding strand, the complement: PALB2 is on the minus strand). VCF-style: chr16-23636041-G-C. GRCh37 (hg19) VCF-style: chr16-23647362-G-C.
Other names: short protein forms L169V.
Identifiers: ClinVar variation 484170 (VCV000484170.16), dbSNP rs180177086, ClinGen allele CA395137027.

ClinVar aggregate classification (germline): Conflicting classifications of pathogenicity. Review status: criteria provided, conflicting classifications (1 of 4 stars). 2 submissions from 2 submitters: Uncertain significance (1); Likely benign (1). Last evaluated 2024-10-10.

Conditions:
Hereditary cancer-predisposing syndrome. Also called: Neoplastic Syndromes, Hereditary; Tumor predisposition; Hereditary Cancer Syndrome; Hereditary neoplastic syndrome. Identifiers: Orphanet 140162, MedGen C0027672, MeSH D009386, MONDO:0015356.
Familial cancer of breast. Also called: BREAST CANCER, FAMILIAL; Hereditary breast cancer; hereditary breast carcinoma. Identifiers: Orphanet 227535, MedGen C0346153, MONDO:0016419, OMIM 114480. Disease mechanism: loss of function.

gnomAD v4.1: 1 of 1,614,086 alleles (0.000062%); highest among the groups gnomAD compares: Non-Finnish European, 0.000085%; no homozygotes.

Submissions (2):

Ambry Genetics
Classification: Likely benign for Hereditary cancer-predisposing syndrome. Last evaluated: 2024-10-10. Review status: criteria provided, single submitter. Criteria: Ambry Variant Classification Scheme 2023. Collection method: clinical testing. Allele origin: germline.

Labcorp Genetics (formerly Invitae), Labcorp
Classification: Uncertain significance for Familial cancer of breast. Last evaluated: 2023-08-16. Review status: criteria provided, single submitter. Criteria: Invitae Variant Classification Sherloc (09022015). Collection method: clinical testing. Allele origin: germline.
Comment: An algorithm developed to predict the effect of missense changes on protein structure and function (PolyPhen-2) suggests that this variant is likely to be disruptive. ClinVar contains an entry for this variant (Variation ID: 484170). This variant has not been reported in the literature in individuals affected with PALB2-related conditions. This variant is not present in population databases (gnomAD no frequency). This sequence change replaces leucine, which is neutral and non-polar, with valine, which is neutral and non-polar, at codon 169 of the PALB2 protein (p.Leu169Val). In summary, the available evidence is currently insufficient to determine the role of this variant in disease. Therefore, it has been classified as a Variant of Uncertain Significance.